The following is an entry in ClinVar:

NM_000426.4(LAMA2):c.2639A>G (p.Asp880Gly)

Gene: LAMA2 (laminin subunit alpha 2; plus strand). Cytogenetic location: 6q22.33.
Variant type: single nucleotide variant.
Coding change: c.2639A>G on transcript NM_000426.4 (MANE Select); coding-DNA position 2639, A replaced by G.
Protein change: p.Asp880Gly; replaces aspartic acid 880 with glycine.
Molecular consequence: missense variant.
Genome position (GRCh38, 1-based): chr6:129,287,948, A>G. VCF-style: chr6-129287948-A-G. GRCh37 (hg19) VCF-style: chr6-129609093-A-G.
Other names: c.2639A>G, p.Asp880Gly (NM_001079823.2); short protein forms D880G.
Identifiers: ClinVar variation 855089 (VCV000855089.29), dbSNP rs766536888, ClinGen allele CA3993021.

ClinVar aggregate classification (germline): Uncertain significance. Review status: criteria provided, multiple submitters, no conflicts (2 of 4 stars). 3 submissions from 3 submitters: Uncertain significance (3). Last evaluated 2025-01-01.

Conditions:
LAMA2-related muscular dystrophy (LAMA2-RD). Also called: Laminin alpha 2-related dystrophy. Identifiers: MedGen C5679788, MONDO:0100228.

Allele frequency attached by ClinVar (database versions not stated): TOPMed below 0.00001; gnomAD 0.00001; gnomAD exomes 0.00001; ExAC 0.00002.
gnomAD v4.1: 13 of 1,613,992 alleles (0.00081%); highest among the groups gnomAD compares: Middle Eastern, 0.033%; no homozygotes.

Submissions (3):

CeGaT Center for Human Genetics Tuebingen
Classification: Uncertain significance. Last evaluated: 2025-01-01. Review status: criteria provided, single submitter. Criteria: CeGaT Center For Human Genetics Tuebingen Variant Classification Criteria Version 2. Collection method: clinical testing. Allele origin: germline. Affected: yes. Observed: 2 variant alleles.
Comment: LAMA2: PM2

Labcorp Genetics (formerly Invitae), Labcorp
Classification: Uncertain significance for LAMA2-related muscular dystrophy. Last evaluated: 2023-11-07. Review status: criteria provided, single submitter. Criteria: Invitae Variant Classification Sherloc (09022015). Collection method: clinical testing. Allele origin: germline.
Comment: This sequence change replaces aspartic acid, which is acidic and polar, with glycine, which is neutral and non-polar, at codon 880 of the LAMA2 protein (p.Asp880Gly). This variant is present in population databases (rs766536888, gnomAD 0.003%). This variant has not been reported in the literature in individuals affected with LAMA2-related conditions. ClinVar contains an entry for this variant (Variation ID: 855089). Advanced modeling of protein sequence and biophysical properties (such as structural, functional, and spatial information, amino acid conservation, physicochemical variation, residue mobility, and thermodynamic stability) performed at Invitae indicates that this missense variant is not expected to disrupt LAMA2 protein function with a negative predictive value of 95%. In summary, the available evidence is currently insufficient to determine the role of this variant in disease. Therefore, it has been classified as a Variant of Uncertain Significance.

Revvity Omics, Revvity
Classification: Uncertain significance. Last evaluated: 2023-09-06. Review status: criteria provided, single submitter. Criteria: ACMG Guidelines, 2015. Collection method: clinical testing. Allele origin: germline.